The following is an entry in ClinVar:

ClinVar aggregate classification (germline): Uncertain significance (1 of 4 stars; one submission).

gnomAD v4.1: 2 of 1,611,348 alleles (0.00012%); highest among the groups gnomAD compares: Non-Finnish European, 0.00017%; no homozygotes.

Submission:

Labcorp Genetics (formerly Invitae), Labcorp
Classification: Uncertain significance. Last evaluated: 2024-07-02. Review status: criteria provided, single submitter. Criteria: Invitae Variant Classification Sherloc (09022015). Collection method: clinical testing. Allele origin: germline.
Comment: This sequence change replaces isoleucine, which is neutral and non-polar, with valine, which is neutral and non-polar, at codon 746 of the HELLS protein (p.Ile746Val). This variant is not present in population databases (gnomAD no frequency). This variant has not been reported in the literature in individuals affected with HELLS-related conditions. An algorithm developed to predict the effect of missense changes on protein structure and function (PolyPhen-2) suggests that this variant is likely to be tolerated. In summary, the available evidence is currently insufficient to determine the role of this variant in disease. Therefore, it has been classified as a Variant of Uncertain Significance.

NM_018063.5(HELLS):c.2236A>G (p.Ile746Val)

Gene: HELLS (helicase, lymphoid specific; plus strand). Cytogenetic location: 10q23.33.
Variant type: single nucleotide variant.
Coding change: c.2236A>G on transcript NM_018063.5 (MANE Select); coding-DNA position 2236, A replaced by G.
Protein change: p.Ile746Val; replaces isoleucine 746 with valine.
Molecular consequence: missense variant.
Genome position (GRCh38, 1-based): chr10:94,594,842, A>G. VCF-style: chr10-94594842-A-G. GRCh37 (hg19) VCF-style: chr10-96354599-A-G.
Other names: c.2188A>G, p.Ile730Val (NM_001289068.2); c.2374A>G, p.Ile792Val (NM_001289067.2); c.2140A>G, p.Ile714Val (NM_001289069.2); c.1942A>G, p.Ile648Val (NM_001289070.2); c.1864A>G, p.Ile622Val (NM_001289071.2); c.1846A>G, p.Ile616Val (NM_001289072.2); c.1822A>G, p.Ile608Val (NM_001289073.2); c.1153A>G, p.Ile385Val (NM_001289074.2); and 1 more; short protein forms I340V, I616V, I648V, I714V, I622V, I730V, I746V, I792V.
Identifiers: ClinVar variation 3658552 (VCV003658552.2).